The following is an entry in ClinVar:

ClinVar aggregate classification (germline): Uncertain significance. Review status: criteria provided, multiple submitters, no conflicts (2 of 4 stars). 2 submissions from 2 submitters: Uncertain significance (2). Last evaluated 2022-07-11.

Allele frequency attached by ClinVar (database versions not stated): gnomAD exomes below 0.00001 and 0.00002; ExAC 0.00002; gnomAD 0.00002 and 0.00003; TOPMed 0.00002; 1000 Genomes Project 0.00020; 1000 Genomes Project 30x 0.00031.
gnomAD v4.1: 10 of 1,604,092 alleles (0.00062%); highest among the groups gnomAD compares: Admixed American, 0.005%; no homozygotes.

Submissions (2):

Labcorp Genetics (formerly Invitae), Labcorp
Classification: Uncertain significance. Last evaluated: 2022-07-11. Review status: criteria provided, single submitter. Criteria: Invitae Variant Classification Sherloc (09022015). Collection method: clinical testing. Allele origin: germline.
Comment: In summary, the available evidence is currently insufficient to determine the role of this variant in disease. Therefore, it has been classified as a Variant of Uncertain Significance. Variants that disrupt the consensus splice site are a relatively common cause of aberrant splicing (PMID: 17576681, 9536098). Algorithms developed to predict the effect of sequence changes on RNA splicing suggest that this variant may disrupt the consensus splice site. Algorithms developed to predict the effect of missense changes on protein structure and function are either unavailable or do not agree on the potential impact of this missense change (SIFT: "Tolerated"; PolyPhen-2: "Possibly Damaging"; Align-GVGD: "Class C0"). ClinVar contains an entry for this variant (Variation ID: 1304676). This variant has not been reported in the literature in individuals affected with AIMP1-related conditions. This variant is present in population databases (rs569235371, gnomAD 0.006%). This sequence change affects codon 75 of the AIMP1 mRNA. It is a 'silent' change, meaning that it does not change the encoded amino acid sequence of the AIMP1 protein. This variant also falls at the last nucleotide of exon 3, which is part of the consensus splice site for this exon.

GeneDx
Classification: Uncertain significance. Last evaluated: 2019-07-20. Review status: criteria provided, single submitter. Criteria: GeneDx Variant Classification Process June 2021. Collection method: clinical testing. Allele origin: germline. Affected: yes.
Comment: In silico analysis, which includes protein predictors and evolutionary conservation, supports that this variant does not alter protein structure/function; Has not been previously published as pathogenic or benign to our knowledge

Literature cited by the submitters: PubMed 17576681 (cited by Labcorp Genetics (formerly Invitae), Labcorp); PubMed 9536098 (cited by Labcorp Genetics (formerly Invitae), Labcorp).

NM_001142416.2(AIMP1):c.223G>A (p.Val75Met)

Gene: AIMP1 (aminoacyl tRNA synthetase complex interacting multifunctional protein 1; plus strand). Cytogenetic location: 4q24.
Variant type: single nucleotide variant.
Coding change: c.223G>A on transcript NM_001142416.2 (MANE Select); coding-DNA position 223, G replaced by A.
Protein change: p.Val75Met; replaces valine 75 with methionine.
Molecular consequence: missense variant.
Genome position (GRCh38, 1-based): chr4:106,327,564, G>A. VCF-style: chr4-106327564-G-A. GRCh37 (hg19) VCF-style: chr4-107248721-G-A.
Other names: c.223G>A, p.Val75Met (NM_001142415.2, NM_004757.4); short protein forms V75M.
Identifiers: ClinVar variation 1304676 (VCV001304676.6), dbSNP rs569235371, ClinGen allele CA3035647.
Genomic context (GRCh38, chr4:106,327,564, plus strand): 5'-CTGAAGAAAGAAATTGAAGAACTGAAACAAGAGCTAATTCAGGCAGAAATTCAAAATGGA[G>A]GTAATTAAATATAGAAAATTTGAGTAATCCAGAAGTTAAGAAGTTGGCCAGTCACACCAA-3'
Protein context (NP_001135888.2, residues 65-85): ELIQAEIQNG[Val75Met]KQIPFPSGTP